The following is an entry in ClinVar:

ClinVar aggregate classification (germline): Pathogenic (1 of 4 stars; one submission).

Conditions:
Treacher Collins syndrome 1 (TCS1). Also called: TCOF1-Related Treacher Collins Syndrome. Identifiers: Orphanet 861, MedGen CN315775, MONDO:0007944, OMIM 154500.

Submission:

Institute of Human Genetics, University of Leipzig Medical Center
Classification: Pathogenic for Treacher Collins syndrome 1. Last evaluated: 2024-09-16. Review status: criteria provided, single submitter. Criteria: ACMG Guidelines, 2015. Collection method: clinical testing. Allele origin: de novo. Inheritance: Autosomal dominant inheritance. Affected: yes.
Comment: Criteria applied: PVS1,PS2_MOD,PM2,PP4

NM_001371623.1(TCOF1):c.304+2T>A

Gene: TCOF1 (treacle ribosome biogenesis factor 1; plus strand). Cytogenetic location: 5q32.
Variant type: single nucleotide variant.
Coding change: c.304+2T>A on transcript NM_001371623.1 (MANE Select); the canonical splice donor site of the intron after coding-DNA position 304, T replaced by A.
Molecular consequence: splice donor variant.
Genome position (GRCh38, 1-based): chr5:150,364,254, T>A. VCF-style: chr5-150364254-T-A. GRCh37 (hg19) VCF-style: chr5-149743817-T-A.
Other names: c.304+2T>A (NM_001135243.2, NM_001135244.2, NM_001195141.2 and 3 more transcripts).
Identifiers: ClinVar variation 3359108 (VCV003359108.2).